The following is an entry in ClinVar:

ClinVar aggregate classification (germline): Benign/Likely benign. Review status: criteria provided, multiple submitters, no conflicts (2 of 4 stars). 4 submissions from 4 submitters: Benign (2); Likely benign (1). 1 of the submissions does not count toward it. Last evaluated 2025-08-18.

Conditions:
PPP1R9A-related disorder. Also called: PPP1R9A-related condition.

Allele frequency attached by ClinVar (database versions not stated): ESP Exome Variant Server 0.00100; gnomAD 0.00108 and 0.00139; TOPMed 0.00123; gnomAD exomes 0.00172 and 0.00230; ExAC 0.00263; 1000 Genomes Project 0.00280; 1000 Genomes Project 30x 0.00297.
gnomAD v4.1: 2,729 of 1,614,024 alleles (0.17%); highest among the groups gnomAD compares: South Asian, 1.3%; 27 homozygotes.

Submissions (4):

Genomic Medicine Center of Excellence, King Faisal Specialist Hospital and Research Centre
Classification: Likely benign. Last evaluated: 2025-08-18. Review status: criteria provided, single submitter. Criteria: ACMG Guidelines, 2015. Collection method: clinical testing. Allele origin: germline.

Labcorp Genetics (formerly Invitae), Labcorp
Classification: Benign. Last evaluated: 2018-04-24. Review status: criteria provided, single submitter. Criteria: Invitae Variant Classification Sherloc (09022015). Collection method: clinical testing. Allele origin: germline.

Breakthrough Genomics
Classification: Benign. Review status: criteria provided, single submitter. Criteria: ACMG Guidelines, 2015. Collection method: not provided. Allele origin: germline. Inheritance: Unknown mechanism. Affected: yes.

PreventionGenetics, part of Exact Sciences
Classification: Benign for PPP1R9A-related condition. Last evaluated: 2019-03-05. Review status: no assertion criteria provided. Collection method: clinical testing. Allele origin: germline. Not counted in ClinVar's aggregate classification.
Comment: This variant is classified as benign based on ACMG/AMP sequence variant interpretation guidelines (Richards et al. 2015 PMID: 25741868, with internal and published modifications).

NM_001166160.2(PPP1R9A):c.3776G>A (p.Arg1259Gln)

Gene: PPP1R9A (protein phosphatase 1 regulatory subunit 9A; plus strand). Cytogenetic location: 7q21.3.
Variant type: single nucleotide variant.
Coding change: c.3776G>A on transcript NM_001166160.2 (MANE Select); coding-DNA position 3776, G replaced by A.
Protein change: p.Arg1259Gln; replaces arginine 1259 with glutamine.
Molecular consequence: missense variant. On other transcripts: intron variant (1).
Genome position (GRCh38, 1-based): chr7:95,288,582, G>A. VCF-style: chr7-95288582-G-A. GRCh37 (hg19) VCF-style: chr7-94917894-G-A.
Other names: c.3542G>A, p.Arg1181Gln (NM_001166161.1); c.2924G>A, p.Arg975Gln (NM_001166163.1); c.2948G>A, p.Arg983Gln (NM_017650.3); c.3550-1509G>A (NM_001166162.1); short protein forms R975Q, R1181Q, R1259Q, R983Q.
Identifiers: ClinVar variation 717592 (VCV000717592.7), dbSNP rs149869201, ClinGen allele CA4350031.